The following is an entry in ClinVar:

ClinVar aggregate classification (germline): Likely pathogenic (1 of 4 stars; one submission).

Conditions:
Fabry disease. Also called: Fabry's disease; ALPHA-GALACTOSIDASE A DEFICIENCY; ANDERSON-FABRY DISEASE; CERAMIDE TRIHEXOSIDASE DEFICIENCY; GLA DEFICIENCY; HEREDITARY DYSTOPIC LIPIDOSIS. Identifiers: Orphanet 324, MedGen C0002986, MONDO:0010526, OMIM 301500, HP:0001071. Disease mechanism: Fabry disease is due to inactivating mutations in the X-linked GLA gene resulting in deficiency of the enzyme Alpha Galactosidase-A., loss of function.

Submission:

Genomenon, Inc
Classification: Likely pathogenic for Fabry disease. Last evaluated: 2026-09-08. Review status: criteria provided, single submitter. Criteria: Genomenon Sequence Variant Interpretation Standards - Updated. Collection method: curation. Allele origin: germline. Affected: yes.
Comment: GLA p.Ter430GlnextTer? (c.1287_1288del) is a stop-loss variant that results in a C-terminal protein extension. This variant has been observed in at least one proband with clinical features consistent with Fabry disease (PMID:35419325). At least one functional study has demonstrated a substantial alteration in protein function relative to the wild-type (PMID:27657681). It is absent or not present at a significant frequency in gnomAD. In conclusion, we classify GLA p.Ter430GlnextTer? (c.1287_1288del) as a likely pathogenic variant.

Literature cited by the submitters: PubMed 35419325; PubMed 27657681.

NM_000169.3(GLA):c.1287_1288del (p.Ter430LysextTer?)

Genes: GLA (galactosidase alpha; minus strand), RPL36A-HNRNPH2 (RPL36A-HNRNPH2 readthrough; plus strand). Cytogenetic location: Xq22.1.
Variant type: Deletion.
Coding change: c.1287_1288del on transcript NM_000169.3 (MANE Select); coding-DNA positions 1287 to 1288, 2 bases deleted (TT; older notation c.1287_1288delTT).
Protein change: p.Ter430LysextTer?.
Molecular consequence: frameshift variant. On other transcripts: non-coding transcript variant (3), intron variant (2).
Genome position (GRCh38, 1-based): chrX:101,397,811-101,397,812, AA deleted on the plus strand (TT on the coding strand, the reverse complement: GLA is on the minus strand); deleting any 2 consecutive bases within chrX:101,397,811-101,397,813 gives the same sequence; the c. name uses the placement nearest the transcript's 3' end. VCF-style (leftmost placement, unchanged base first): chrX-101397810-TAA-T. GRCh37 (hg19) VCF-style: chrX-100652798-TAA-T.
Other names: c.1410_1411del, p.Ter471LysextTer? (NM_001406747.1); c.300+2355_300+2356del (NM_001199973.2); c.177+5990_177+5991del (NM_001199974.2).
Identifiers: ClinVar variation 4974849 (VCV004974849.1).